The following is an entry in ClinVar:

NM_001130438.3(SPTAN1):c.6707+1164_6708-1168dup

Gene: SPTAN1 (spectrin alpha, non-erythrocytic 1; plus strand). Cytogenetic location: 9q34.11.
Variant type: Duplication.
Coding change: c.6707+1164_6708-1168dup on transcript NM_001130438.3 (MANE Select); 1164 bases into the intron after coding-DNA position 6707 through 1168 bases into the intron before coding-DNA position 6708, 48 bases duplicated.
Molecular consequence: intron variant. On other transcripts: splice acceptor variant (2).
Genome position (GRCh38, 1-based): chr9:128,629,106-128,629,153, 48 bases duplicated. GRCh37 (hg19): chr9:131,391,385-131,391,432.
Other names: c.6744-19_6772dup (NM_001375318.1); c.6743+1164_6744-1168dup (NM_001375312.2); c.6707+1164_6708-1168dup (NM_001375311.2); c.6647+1164_6648-1168dup (NM_001375314.2, NM_001363765.2); c.6794+1164_6795-1168dup (NM_001375310.1); c.6708-19_6736dup (NM_001363759.2); c.6690-1215_6690-1168dup (NM_001375313.1); c.6692+1164_6693-1168dup (NM_003127.4); and 1 more.
Identifiers: ClinVar variation 2633155 (VCV002633155.1), dbSNP rs2542290556, ClinGen allele CA2691939518.

ClinVar aggregate classification (germline): Uncertain significance (1 of 4 stars; one submission).

Conditions:
SPTAN1-related disorder. Also called: SPTAN1-related condition; SPTAN1-related disorders.

Allele frequency attached by ClinVar (database versions not stated): gnomAD exomes below 0.00001.

Submission:

PreventionGenetics, part of Exact Sciences
Classification: Uncertain significance for SPTAN1-related condition. Last evaluated: 2023-04-24. Review status: criteria provided, single submitter. Criteria: ACMG Guidelines, 2015. Collection method: clinical testing. Allele origin: germline.
Comment: The SPTAN1 c.6708-19_6736dup48 variant is predicted to result in a duplication affecting a canonical splice site. However, this variant is deep in the intron of the primary transcript (NM_001130438.2:c.6707+1164_6708-1168dup48) and may not affect the clinically-relevant gene product. This variant results in a duplication of a splice acceptor site, including the neighboring intron/exon sequence. We are unable to predict if the splicing machinery will preferentially utilize the native site or the duplicated site, causing further uncertainty about the impact on expression of the protein. To our knowledge, this variant has not been reported in the literature or in a large population database, indicating this variant is rare. At this time, the clinical significance of this variant is uncertain due to the absence of conclusive functional and genetic evidence.